The following is an entry in ClinVar:

ClinVar aggregate classification (germline): Benign (1 of 4 stars; one submission).

Allele frequency attached by ClinVar (database versions not stated): gnomAD 0.20992 and 0.21243; TOPMed 0.22221; 1000 Genomes Project 0.22664; 1000 Genomes Project 30x 0.22689.
gnomAD v4.1: 31,856 of 152,064 alleles (21%); highest among the groups gnomAD compares: East Asian, 34%; 3,554 homozygotes.

Submission:

GeneDx
Classification: Benign. Last evaluated: 2018-06-19. Review status: criteria provided, single submitter. Criteria: GeneDx Variant Classification (06012015). Collection method: clinical testing. Allele origin: germline. Affected: yes.
Comment: This variant is considered likely benign or benign based on one or more of the following criteria: it is a conservative change, it occurs at a poorly conserved position in the protein, it is predicted to be benign by multiple in silico algorithms, and/or has population frequency not consistent with disease.

NM_001244008.2(KIF1A):c.865-178C>T

Gene: KIF1A (kinesin family member 1A; minus strand). Cytogenetic location: 2q37.3.
Variant type: single nucleotide variant.
Coding change: c.865-178C>T on transcript NM_001244008.2 (MANE Select); 178 bases into the intron before coding-DNA position 865, C replaced by T.
Molecular consequence: intron variant.
Genome position (GRCh38, 1-based): chr2:240,782,785, G>A on the plus strand (C>T on the coding strand, the complement: KIF1A is on the minus strand). VCF-style: chr2-240782785-G-A. GRCh37 (hg19) VCF-style: chr2-241722202-G-A.
Other names: c.865-178C>T (NM_001379653.1, NM_001379650.1, NM_001379645.1 and 20 more transcripts).
Identifiers: ClinVar variation 682839 (VCV000682839.1), dbSNP rs56130735, ClinGen allele CA11176596.
Genomic context (GRCh38, chr2:240,782,785, plus strand): 5'-CCCGTGGTCTCCTAGACAGCAGCTCCCCCAGGCAGGGTCCCTCCAGGGCCGCCCTTCCCG[G>A]GCCCAGGCCTGGGCTGCCTGCTGCACGGGGCCAACTGTGGCCATAGCCCCACTTTACAGG-3'